The following is an entry in ClinVar:

ClinVar aggregate classification (germline): Likely pathogenic. Review status: criteria provided, multiple submitters, no conflicts (2 of 4 stars). 5 submissions from 5 submitters: Likely pathogenic (5). Last evaluated 2024-05-15.

Conditions:
MYH7-related disorder. Also called: MYH7-related disorders; MYH7-related condition; MYH7-related disease.
Cardiovascular phenotype. Identifiers: MedGen CN230736.
Hypertrophic cardiomyopathy 1 (CMH1). Also called: MYH7-Related Familial Hypertrophic Cardiomyopathy; Familial hypertrophic cardiomyopathy 1. Identifiers: MedGen C3495498, MONDO:0008647, OMIM 192600.
Hypertrophic cardiomyopathy. Also called: HYPERTROPHIC MYOCARDIOPATHY. Identifiers: Orphanet 217569, MedGen C0007194, MeSH D002312, MONDO:0005045, HP:0001639.

Submissions (5):

Ambry Genetics
Classification: Likely pathogenic for Cardiovascular phenotype. Last evaluated: 2024-05-15. Review status: criteria provided, single submitter. Criteria: Ambry Variant Classification Scheme 2023. Collection method: clinical testing. Allele origin: germline.
Comment: The p.M849T variant (also known as c.2546T>C), located in coding exon 20 of the MYH7 gene, results from a T to C substitution at nucleotide position 2546. The methionine at codon 849 is replaced by threonine, an amino acid with similar properties. This alteration is located in the myosin head domain, which contains a statistically significant clustering of pathogenic missense variants (Homburger JR et al. Proc Natl Acad Sci U S A, 2016 06;113:6701-6; Walsh R et al. Genet Med, 2017 02;19:192-203; Ambry internal data). This variant has been reported in individuals with hypertrophic cardiomyopathy (HCM) and showed co-segregation in an affected relative in one family; clinical details were limited in some cases (Garcia-Pavia P et al. Eur J Heart Fail, 2011 Nov;13:1193-201; Murphy SL et al. J Cardiovasc Transl Res, 2016 Apr;9:153-61; Chida A et al. Heart Vessels, 2017 Jun;32:700-707; Lorenzini M et al. J Am Coll Cardiol, 2020 08;76:550-559; Viswanathan SK et al. PLoS One, 2017 Nov;12:e0187948). This variant was also detected in two individuals from HCM genetic testing cohorts (Walsh R et al. Genet Med, 2017 02;19:192-203). This variant is considered to be rare based on population cohorts in the Genome Aggregation Database (gnomAD). This amino acid position is well conserved in available vertebrate species. In addition, this alteration is predicted to be deleterious by in silico analysis. Based on the majority of available evidence to date, this variant is likely to be pathogenic.

Neuberg Centre For Genomic Medicine, NCGM
Classification: Likely pathogenic for Hypertrophic cardiomyopathy 1. Last evaluated: 2024-02-01. Review status: criteria provided, single submitter. Criteria: ACMG Guidelines, 2015. Collection method: clinical testing. Allele origin: germline. Inheritance: Autosomal dominant inheritance.
Comment: The above missense variant has been reported previously in individual(s) affected with Hypertrophic cardiomyopathy (Moore J, et al., 2023; Walsh R, et al., 2017). However, additional functional evidence and studies on multiple affected individuals will be required to prove the pathogenicity of this variant conclusively. For these reasons, this variant has been classified as Likely Pathogenic.

Labcorp Genetics (formerly Invitae), Labcorp
Classification: Likely pathogenic for Hypertrophic cardiomyopathy. Last evaluated: 2022-08-16. Review status: criteria provided, single submitter. Criteria: Invitae Variant Classification Sherloc (09022015). Collection method: clinical testing. Allele origin: germline.
Comment: Algorithms developed to predict the effect of missense changes on protein structure and function are either unavailable or do not agree on the potential impact of this missense change (SIFT: "Deleterious"; PolyPhen-2: "Benign"; Align-GVGD: "Class C55"). This variant is found within a region of MYH7 between codons 181 and 937 that contains the majority of the myosin head domain. Missense variants in this region have been shown to be significantly overrepresented in individuals with hypertrophic cardiomyopathy (PMID: 27532257). In summary, the currently available evidence indicates that the variant is pathogenic, but additional data are needed to prove that conclusively. Therefore, this variant has been classified as Likely Pathogenic. ClinVar contains an entry for this variant (Variation ID: 42914). This sequence change replaces methionine, which is neutral and non-polar, with threonine, which is neutral and polar, at codon 849 of the MYH7 protein (p.Met849Thr). This variant is not present in population databases (gnomAD no frequency). This missense change has been observed in individuals with clinical features of hypertrophic cardiomyopathy (PMID: 21896538, 26914223, 27532257, 29121657; Invitae).

Blueprint Genetics
Classification: Likely pathogenic for MYH7-related disorders. Last evaluated: 2018-03-06. Review status: criteria provided, single submitter. Criteria: ACMG Guidelines, 2015. Collection method: clinical testing. Allele origin: germline. Affected: yes. Observed: 1 variant allele.

Laboratory for Molecular Medicine, Mass General Brigham Personalized Medicine
Classification: Likely pathogenic for Hypertrophic cardiomyopathy. Last evaluated: 2015-04-01. Review status: criteria provided, single submitter. Criteria: LMM Criteria. Collection method: clinical testing. Allele origin: germline. Inheritance: Autosomal dominant inheritance. Observed: 1 variant allele.
Comment: This variant was absent from large population st udies. Methionine (Met) at position 849 is not well conserved in evolution; howe ver the change to threonine (Thr) was predicted to be pathogenic using a computa tional tool clinically validated by our laboratory. This tool's pathogenic predi ction is estimated to be correct 94% of the time (Jordan 2011). In summary, alth ough additional studies are required to fully establish its clinical significanc e, the p.Met849Thr variant is likely pathogenic.

Literature cited by the submitters: PubMed 21896538 (cited by 3 submitters); PubMed 26914223 (cited by Ambry Genetics and Labcorp Genetics (formerly Invitae), Labcorp); PubMed 27532257 (cited by Ambry Genetics and Labcorp Genetics (formerly Invitae), Labcorp); PubMed 27885498 (cited by Ambry Genetics); PubMed 28138913 (cited by Ambry Genetics); PubMed 28606303 (cited by Ambry Genetics); PubMed 28971120 (cited by Ambry Genetics); PubMed 29121657 (cited by Ambry Genetics and Labcorp Genetics (formerly Invitae), Labcorp); PubMed 29386531 (cited by Ambry Genetics); PubMed 32731933 (cited by Ambry Genetics).

NM_000257.4(MYH7):c.2546T>C (p.Met849Thr)

Genes: MYH7 (myosin heavy chain 7; minus strand), LOC126861898 (BRD4-independent group 4 enhancer GRCh37_chr14:23893609-23894808; plus strand). Cytogenetic location: 14q11.2.
Variant type: single nucleotide variant.
Coding change: c.2546T>C on transcript NM_000257.4 (MANE Select); coding-DNA position 2546, T replaced by C.
Protein change: p.Met849Thr; replaces methionine 849 with threonine.
Molecular consequence: missense variant.
Genome position (GRCh38, 1-based): chr14:23,424,902, A>G on the plus strand (T>C on the coding strand, the complement: MYH7 is on the minus strand). VCF-style: chr14-23424902-A-G. GRCh37 (hg19) VCF-style: chr14-23894111-A-G.
Other names: short protein forms M849T.
Identifiers: ClinVar variation 42914 (VCV000042914.18), dbSNP rs397516156, ClinGen allele CA012599.